The following is an entry in ClinVar:

NM_000245.4(MET):c.2587A>G (p.Asn863Asp)

Gene: MET (MET proto-oncogene, receptor tyrosine kinase; plus strand). Cytogenetic location: 7q31.2.
Variant type: single nucleotide variant.
Coding change: c.2587A>G on transcript NM_000245.4 (MANE Select); coding-DNA position 2587, A replaced by G.
Protein change: p.Asn863Asp; replaces asparagine 863 with aspartic acid.
Molecular consequence: missense variant.
Genome position (GRCh38, 1-based): chr7:116,769,648, A>G. VCF-style: chr7-116769648-A-G. GRCh37 (hg19) VCF-style: chr7-116409702-A-G.
Other names: c.2641A>G, p.Asn881Asp (NM_001127500.3); c.2587A>G, p.Asn863Asp (NM_001324401.3); c.1297A>G, p.Asn433Asp (NM_001324402.2); short protein forms N863D, N433D, N881D.
Identifiers: ClinVar variation 1999122 (VCV001999122.5), dbSNP rs2116982450, ClinGen allele CA368985275.

ClinVar aggregate classification (germline): Conflicting classifications of pathogenicity. Review status: criteria provided, conflicting classifications (1 of 4 stars). 2 submissions from 2 submitters: Uncertain significance (1); Likely benign (1). Last evaluated 2026-02-17.

Conditions:
Renal cell carcinoma. Identifiers: Orphanet 217071, MedGen C0007134, MeSH D002292, MONDO:0005086, HP:0005584.
Hereditary cancer-predisposing syndrome. Also called: Neoplastic Syndromes, Hereditary; Tumor predisposition; Hereditary Cancer Syndrome; Hereditary neoplastic syndrome. Identifiers: Orphanet 140162, MedGen C0027672, MeSH D009386, MONDO:0015356.

Submissions (2):

Ambry Genetics
Classification: Likely benign for Hereditary cancer-predisposing syndrome. Last evaluated: 2026-02-17. Review status: criteria provided, single submitter. Criteria: Ambry Variant Classification Scheme 2023. Collection method: clinical testing. Allele origin: germline.

Labcorp Genetics (formerly Invitae), Labcorp
Classification: Uncertain significance for Renal cell carcinoma. Last evaluated: 2024-07-08. Review status: criteria provided, single submitter. Criteria: Invitae Variant Classification Sherloc (09022015). Collection method: clinical testing. Allele origin: germline.
Comment: This sequence change replaces asparagine, which is neutral and polar, with aspartic acid, which is acidic and polar, at codon 881 of the MET protein (p.Asn881Asp). This variant is not present in population databases (gnomAD no frequency). This variant has not been reported in the literature in individuals affected with MET-related conditions. ClinVar contains an entry for this variant (Variation ID: 1999122). Algorithms developed to predict the effect of missense changes on protein structure and function output the following: SIFT: "Not Available"; PolyPhen-2: "Benign"; Align-GVGD: "Not Available". The aspartic acid amino acid residue is found in multiple mammalian species, which suggests that this missense change does not adversely affect protein function. In summary, the available evidence is currently insufficient to determine the role of this variant in disease. Therefore, it has been classified as a Variant of Uncertain Significance.